The following is an entry in ClinVar:

ClinVar aggregate classification (germline): Uncertain significance. Review status: criteria provided, multiple submitters, no conflicts (2 of 4 stars). 2 submissions from 2 submitters: Uncertain significance (2). Last evaluated 2025-06-18.

Allele frequency attached by ClinVar (database versions not stated): gnomAD 0.00001; gnomAD exomes 0.00001.
gnomAD v4.1: 16 of 1,614,122 alleles (0.00099%); highest among the groups gnomAD compares: South Asian, 0.0044%; 1 homozygote.

Submissions (2):

Ambry Genetics
Classification: Uncertain significance. Last evaluated: 2025-06-18. Review status: criteria provided, single submitter. Criteria: Ambry Variant Classification Scheme 2023. Collection method: clinical testing. Allele origin: germline.

Labcorp Genetics (formerly Invitae), Labcorp
Classification: Uncertain significance. Last evaluated: 2025-03-17. Review status: criteria provided, single submitter. Criteria: Invitae Variant Classification Sherloc (09022015). Collection method: clinical testing. Allele origin: germline.
Comment: This sequence change replaces arginine, which is basic and polar, with glutamine, which is neutral and polar, at codon 249 of the ANKZF1 protein (p.Arg249Gln). This variant is present in population databases (no rsID available, gnomAD 0.01%). This variant has not been reported in the literature in individuals affected with ANKZF1-related conditions. ClinVar contains an entry for this variant (Variation ID: 1482627). An algorithm developed to predict the effect of missense changes on protein structure and function outputs the following: PolyPhen-2: "Benign". The glutamine amino acid residue is found in multiple mammalian species, which suggests that this missense change does not adversely affect protein function. In summary, the available evidence is currently insufficient to determine the role of this variant in disease. Therefore, it has been classified as a Variant of Uncertain Significance.

NM_018089.3(ANKZF1):c.746G>A (p.Arg249Gln)

Gene: ANKZF1 (ankyrin repeat and zinc finger peptidyl tRNA hydrolase 1; plus strand). Cytogenetic location: 2q35.
Variant type: single nucleotide variant.
Coding change: c.746G>A on transcript NM_018089.3 (MANE Select); coding-DNA position 746, G replaced by A.
Protein change: p.Arg249Gln; replaces arginine 249 with glutamine.
Molecular consequence: missense variant.
Genome position (GRCh38, 1-based): chr2:219,233,360, G>A. VCF-style: chr2-219233360-G-A. GRCh37 (hg19) VCF-style: chr2-220098082-G-A.
Other names: c.746G>A (NM_018089.2); c.746G>A, p.Arg249Gln (NM_001042410.2); c.116G>A, p.Arg39Gln (NM_001282792.2); short protein forms R39Q, R249Q.
Identifiers: ClinVar variation 1482627 (VCV001482627.9), dbSNP rs1301002222, ClinGen allele CA350675176.
Genomic context (GRCh38, chr2:219,233,360, plus strand): 5'-CACACAAAACTTTTCACCGCTATACGGTTCGGGCCAAGCGGGGCACAGCCCAGGGGCTTC[G>A]GGATGCCCGAGGTGGGCCATCACACTCTGCTGGAGCCAACCTGAGGCGCTACAATGAAGC-3'
Protein context (NP_060559.2, residues 239-259): RAKRGTAQGL[Arg249Gln]DARGGPSHSA